The following is an entry in ClinVar:

NM_001146079.2(CLDN14):c.294C>T (p.Ala98=)

Genes: CLDN14 (claudin 14; minus strand), CLDN14-AS1 (CLDN14 antisense RNA 1; plus strand). Cytogenetic location: 21q22.13.
Variant type: single nucleotide variant.
Coding change: c.294C>T on transcript NM_001146079.2 (MANE Select); coding-DNA position 294, C replaced by T.
Protein change: p.Ala98=; no amino-acid change (alanine 98 retained).
Molecular consequence: synonymous variant.
Genome position (GRCh38, 1-based): chr21:36,461,402, G>A on the plus strand (C>T on the coding strand, the complement: CLDN14 is on the minus strand). VCF-style: chr21-36461402-G-A. GRCh37 (hg19) VCF-style: chr21-37833700-G-A.
Other names: c.294C>T, p.Ala98= (NM_001146077.2, NM_001146078.3, NM_012130.4 and 1 more transcripts); c.294C>T (NM_001146077.1).
Identifiers: ClinVar variation 1186658 (VCV001186658.25), dbSNP rs374400022, ClinGen allele CA10019297.
Genomic context (GRCh38, chr21:36,461,402, plus strand): 5'-GGCAAAGGTGGTCTTGGCGGGTGTGCCCTTGGCGCAGCGCGTGCACTTCATCCCGATGAC[G>A]GCGCAGGCGCAGGCTATGCCCGAGAGCAGGCAGGAGATGACCATGAGGGCGCGGGCAGCC-3'
Protein context (NP_001139551.1, residues 88-108): CLLSGIACAC[Ala98=]VIGMKCTRCA

ClinVar aggregate classification (germline): Benign/Likely benign. Review status: criteria provided, multiple submitters, no conflicts (2 of 4 stars). 4 submissions from 4 submitters: Benign (1); Likely benign (3). Last evaluated 2025-08-08.

Conditions:
CLDN14-related disorder. Also called: CLDN14-related condition.

Allele frequency attached by ClinVar (database versions not stated): ESP Exome Variant Server 0.00008; gnomAD 0.00009 and 0.00010; TOPMed 0.00012; ExAC 0.00013; gnomAD exomes 0.00016.
gnomAD v4.1: 251 of 1,613,016 alleles (0.016%); highest among the groups gnomAD compares: Middle Eastern, 0.016%; no homozygotes.

Submissions (4):

PreventionGenetics, part of Exact Sciences
Classification: Likely benign for CLDN14-related condition. Last evaluated: 2025-08-08. Review status: criteria provided, single submitter. Criteria: ACMG Guidelines, 2015. Collection method: clinical testing. Allele origin: germline.
Comment: This variant is classified as likely benign based on ACMG/AMP sequence variant interpretation guidelines (Richards et al. 2015 PMID: 25741868, with internal and published modifications).

Labcorp Genetics (formerly Invitae), Labcorp
Classification: Benign. Last evaluated: 2025-06-18. Review status: criteria provided, single submitter. Criteria: Invitae Variant Classification Sherloc (09022015). Collection method: clinical testing. Allele origin: germline.

CeGaT Center for Human Genetics Tuebingen
Classification: Likely benign. Last evaluated: 2024-11-01. Review status: criteria provided, single submitter. Criteria: CeGaT Center For Human Genetics Tuebingen Variant Classification Criteria Version 2. Collection method: clinical testing. Allele origin: germline. Affected: yes. Observed: 1 variant allele.
Comment: CLDN14: BP4, BP7

GeneDx
Classification: Likely benign. Last evaluated: 2020-03-27. Review status: criteria provided, single submitter. Criteria: GeneDx Variant Classification Process June 2021. Collection method: clinical testing. Allele origin: germline. Affected: yes.